The following is an entry in ClinVar:

ClinVar aggregate classification (germline): Uncertain significance (1 of 4 stars; one submission).

Allele frequency attached by ClinVar (database versions not stated): gnomAD exomes 0.00004; ExAC 0.00005; ESP Exome Variant Server 0.00009; TOPMed 0.00009; gnomAD 0.00011.
gnomAD v4.1: 59 of 1,208,002 alleles (0.0049%); highest among the groups gnomAD compares: Admixed American, 0.02%; no homozygotes.

Submission:

CeGaT Center for Human Genetics Tuebingen
Classification: Uncertain significance. Last evaluated: 2023-11-01. Review status: criteria provided, single submitter. Criteria: CeGaT Center For Human Genetics Tuebingen Variant Classification Criteria Version 2. Collection method: clinical testing. Allele origin: germline. Affected: yes. Observed: 1 variant allele.
Comment: F8: PM5

NM_000132.4(F8):c.5120C>T (p.Pro1707Leu)

Gene: F8 (coagulation factor VIII; minus strand). Cytogenetic location: Xq28.
Variant type: single nucleotide variant.
Coding change: c.5120C>T on transcript NM_000132.4 (MANE Select); coding-DNA position 5120, C replaced by T.
Protein change: p.Pro1707Leu; replaces proline 1707 with leucine.
Molecular consequence: missense variant.
Genome position (GRCh38, 1-based): chrX:154,928,670, G>A on the plus strand (C>T on the coding strand, the complement: F8 is on the minus strand). VCF-style: chrX-154928670-G-A. GRCh37 (hg19) VCF-style: chrX-154156945-G-A.
Other names: short protein forms P1707L.
Identifiers: ClinVar variation 2673271 (VCV002673271.23), dbSNP rs375988370, ClinGen allele CA10568036.